The following is an entry in ClinVar:

ClinVar aggregate classification (germline): Uncertain significance (1 of 4 stars; one submission).

Conditions:
Kabuki syndrome. Also called: Kabuki make-up syndrome; NIIKAWA-KUROKI SYNDROME. Identifiers: Orphanet 2322, MedGen C0796004, MONDO:0016512.

gnomAD v4.1: 1 of 1,613,064 alleles (0.000062%); highest among the groups gnomAD compares: South Asian, 0.0011%; no homozygotes.

Submission:

Labcorp Genetics (formerly Invitae), Labcorp
Classification: Uncertain significance for Kabuki syndrome. Last evaluated: 2016-11-17. Review status: criteria provided, single submitter. Criteria: Invitae Variant Classification Sherloc (09022015). Collection method: clinical testing. Allele origin: germline.
Comment: In summary, this variant is a novel missense change with uncertain impact on protein function. It has been classified as a Variant of Uncertain Significance. Algorithms developed to predict the effect of missense changes on protein structure and function do not agree on the potential impact of this missense change (SIFT: "Tolerated"; PolyPhen-2: "Probably Damaging"; Align-GVGD: "Class C0"). This variant is not present in population databases (ExAC no frequency) and has not been reported in the literature in individuals with a KMT2D-related disease. This sequence change replaces glutamine with histidine at codon 2014 of the KMT2D protein (p.Gln2014His). The glutamine residue is moderately conserved and there is a small physicochemical difference between glutamine and histidine.

NM_003482.4(KMT2D):c.6042G>T (p.Gln2014His)

Gene: KMT2D (lysine methyltransferase 2D; minus strand). Cytogenetic location: 12q13.12.
Variant type: single nucleotide variant.
Coding change: c.6042G>T on transcript NM_003482.4 (MANE Select); coding-DNA position 6042, G replaced by T.
Protein change: p.Gln2014His; replaces glutamine 2014 with histidine.
Molecular consequence: missense variant.
Genome position (GRCh38, 1-based): chr12:49,042,156, C>A on the plus strand (G>T on the coding strand, the complement: KMT2D is on the minus strand). VCF-style: chr12-49042156-C-A. GRCh37 (hg19) VCF-style: chr12-49435939-C-A.
Other names: short protein forms Q2014H.
Identifiers: ClinVar variation 463018 (VCV000463018.8), dbSNP rs1161895683, ClinGen allele CA384626885.